The following is an entry in ClinVar:

ClinVar aggregate classification (germline): Benign (0 of 4 stars; one submission).

Conditions:
VWA3B-related disorder. Also called: VWA3B-related condition.

Allele frequency attached by ClinVar (database versions not stated): 1000 Genomes Project 30x 0.01780; 1000 Genomes Project 0.01897; TOPMed 0.03622; gnomAD 0.03898; ExAC 0.04111; ESP Exome Variant Server 0.04568.
gnomAD v4.1: 90,567 of 1,612,652 alleles (5.6%); highest among the groups gnomAD compares: Non-Finnish European, 6.7%; 3,106 homozygotes.

Submission:

PreventionGenetics, part of Exact Sciences
Classification: Benign for VWA3B-related condition. Last evaluated: 2019-07-08. Review status: no assertion criteria provided. Collection method: clinical testing. Allele origin: germline.
Comment: This variant is classified as benign based on ACMG/AMP sequence variant interpretation guidelines (Richards et al. 2015 PMID: 25741868, with internal and published modifications).

NM_144992.5(VWA3B):c.3045+9C>A

Gene: VWA3B (von Willebrand factor A domain containing 3B; plus strand). Cytogenetic location: 2q11.2.
Variant type: single nucleotide variant.
Coding change: c.3045+9C>A on transcript NM_144992.5 (MANE Select); 9 bases into the intron after coding-DNA position 3045, C replaced by A.
Molecular consequence: intron variant.
Genome position (GRCh38, 1-based): chr2:98,270,892, C>A. VCF-style: chr2-98270892-C-A. GRCh37 (hg19) VCF-style: chr2-98887355-C-A.
Other names: c.2016+9C>A (NM_001345864.2).
Identifiers: ClinVar variation 3055604 (VCV003055604.2), dbSNP rs62157896, ClinGen allele CA1793160.